The following is an entry in ClinVar:

NM_003482.4(KMT2D):c.15207G>C (p.Val5069=)

Gene: KMT2D (lysine methyltransferase 2D; minus strand). Cytogenetic location: 12q13.12.
Variant type: single nucleotide variant.
Coding change: c.15207G>C on transcript NM_003482.4 (MANE Select); coding-DNA position 15207, G replaced by C.
Protein change: p.Val5069=; no amino-acid change (valine 5069 retained).
Molecular consequence: synonymous variant.
Genome position (GRCh38, 1-based): chr12:49,026,759, C>G on the plus strand (G>C on the coding strand, the complement: KMT2D is on the minus strand). VCF-style: chr12-49026759-C-G. GRCh37 (hg19) VCF-style: chr12-49420542-C-G.
Identifiers: ClinVar variation 2187039 (VCV002187039.5), dbSNP rs1358837094, ClinGen allele CA479707227.

ClinVar aggregate classification (germline): Benign/Likely benign. Review status: criteria provided, multiple submitters, no conflicts (2 of 4 stars). 2 submissions from 2 submitters: Benign (1); Likely benign (1). Last evaluated 2025-05-28.

Conditions:
KMT2D-related disorder. Also called: KMT2D-Related Disorders.
Kabuki syndrome. Also called: NIIKAWA-KUROKI SYNDROME; Kabuki make-up syndrome. Identifiers: Orphanet 2322, MedGen C0796004, MONDO:0016512.

Allele frequency attached by ClinVar (database versions not stated): gnomAD exomes 0.00001.
gnomAD v4.1: 4 of 1,613,460 alleles (0.00025%); highest among the groups gnomAD compares: Admixed American, 0.0067%; no homozygotes.

Submissions (2):

PreventionGenetics, part of Exact Sciences
Classification: Likely benign for KMT2D-related condition. Last evaluated: 2025-05-28. Review status: criteria provided, single submitter. Criteria: ACMG Guidelines, 2015. Collection method: clinical testing. Allele origin: germline.
Comment: This variant is classified as likely benign based on ACMG/AMP sequence variant interpretation guidelines (Richards et al. 2015 PMID: 25741868, with internal and published modifications).

Labcorp Genetics (formerly Invitae), Labcorp
Classification: Benign for Kabuki syndrome. Last evaluated: 2025-05-05. Review status: criteria provided, single submitter. Criteria: Invitae Variant Classification Sherloc (09022015). Collection method: clinical testing. Allele origin: germline.